The following is an entry in ClinVar:

NM_033380.3(COL4A5):c.3189C>T (p.Gly1063=)

Gene: COL4A5 (collagen type IV alpha 5 chain; plus strand). Cytogenetic location: Xq22.3.
Variant type: single nucleotide variant.
Coding change: c.3189C>T on transcript NM_033380.3 (MANE Select); coding-DNA position 3189, C replaced by T.
Protein change: p.Gly1063=; no amino-acid change (glycine 1063 retained).
Molecular consequence: synonymous variant.
Genome position (GRCh38, 1-based): chrX:108,626,292, C>T. VCF-style: chrX-108626292-C-T. GRCh37 (hg19) VCF-style: chrX-107869522-C-T.
Other names: c.3189C>T, p.Gly1063= (NM_000495.5); c.3189C>T (NM_000495.4).
Identifiers: ClinVar variation 1083854 (VCV001083854.10), dbSNP rs768698527, ClinGen allele CA10489041.
Genomic context (GRCh38, chrX:108,626,292, plus strand): 5'-TCCTGGACCTTCTGGAGTTCCTGGACAACCTGGCTCCCCAGGATTACCTGGACAGAAAGG[C>T]GACAAAGGTGATCCTGGTATTTCAAGCATTGGTCTTCCAGGTCTTCCTGGTCCAAAGGTA-3'
Protein context (NP_203699.1, residues 1053-1073): PGSPGLPGQK[Gly1063=]DKGDPGISSI

ClinVar aggregate classification (germline): Likely benign. Review status: criteria provided, multiple submitters, no conflicts (2 of 4 stars). 2 submissions from 2 submitters: Likely benign (2). Last evaluated 2026-01-13.

Conditions:
COL4A5-related disorder. Also called: COL4A5-related condition.

Allele frequency attached by ClinVar (database versions not stated): gnomAD 0.00001; gnomAD exomes 0.00001; ExAC 0.00002.
gnomAD v4.1: 22 of 1,208,661 alleles (0.0018%); highest among the groups gnomAD compares: Non-Finnish European, 0.0022%; no homozygotes.

Submissions (2):

Labcorp Genetics (formerly Invitae), Labcorp
Classification: Likely benign. Last evaluated: 2026-01-13. Review status: criteria provided, single submitter. Criteria: Invitae Variant Classification Sherloc (09022015). Collection method: clinical testing. Allele origin: germline.

PreventionGenetics, part of Exact Sciences
Classification: Likely benign for COL4A5-related condition. Last evaluated: 2025-12-04. Review status: criteria provided, single submitter. Criteria: ACMG Guidelines, 2015. Collection method: clinical testing. Allele origin: germline.
Comment: This variant is classified as likely benign based on ACMG/AMP sequence variant interpretation guidelines (Richards et al. 2015 PMID: 25741868, with internal and published modifications).